The following is an entry in ClinVar:

ClinVar aggregate classification (germline): Uncertain significance (1 of 4 stars; one submission).

Conditions:
Primary ciliary dyskinesia. Also called: Ciliary dyskinesia. Identifiers: Orphanet 244, MedGen C0008780, MONDO:0016575, HP:0012265.

Allele frequency attached by ClinVar (database versions not stated): gnomAD exomes 0.00001 and 0.00004; TOPMed 0.00001; gnomAD 0.00002 and 0.00003.
gnomAD v4.1: 66 of 1,613,752 alleles (0.0041%); highest among the groups gnomAD compares: Non-Finnish European, 0.0052%; no homozygotes.

Submission:

Labcorp Genetics (formerly Invitae), Labcorp
Classification: Uncertain significance for Primary ciliary dyskinesia. Last evaluated: 2025-12-17. Review status: criteria provided, single submitter. Criteria: Invitae Variant Classification Sherloc (09022015). Collection method: clinical testing. Allele origin: germline.
Comment: This sequence change replaces arginine, which is basic and polar, with cysteine, which is neutral and slightly polar, at codon 1113 of the CCDC40 protein (p.Arg1113Cys). This variant is present in population databases (rs201250105, gnomAD 0.002%). This variant has not been reported in the literature in individuals affected with CCDC40-related conditions. ClinVar contains an entry for this variant (Variation ID: 407771). Invitae Evidence Modeling of protein sequence and biophysical properties (such as structural, functional, and spatial information, amino acid conservation, physicochemical variation, residue mobility, and thermodynamic stability) indicates that this missense variant is not expected to disrupt CCDC40 protein function with a negative predictive value of 80%. In summary, the available evidence is currently insufficient to determine the role of this variant in disease. Therefore, it has been classified as a Variant of Uncertain Significance.

NM_017950.4(CCDC40):c.3337C>T (p.Arg1113Cys)

Gene: CCDC40 (coiled-coil domain 40 molecular ruler complex subunit; plus strand). Cytogenetic location: 17q25.3.
Variant type: single nucleotide variant.
Coding change: c.3337C>T on transcript NM_017950.4 (MANE Select); coding-DNA position 3337, C replaced by T.
Protein change: p.Arg1113Cys; replaces arginine 1113 with cysteine.
Molecular consequence: missense variant.
Genome position (GRCh38, 1-based): chr17:80,099,683, C>T. VCF-style: chr17-80099683-C-T. GRCh37 (hg19) VCF-style: chr17-78073482-C-T.
Other names: short protein forms R1113C.
Identifiers: ClinVar variation 407771 (VCV000407771.9), dbSNP rs201250105, ClinGen allele CA16615725.